The following is an entry in ClinVar:

NM_003482.4(KMT2D):c.8985C>A (p.Asp2995Glu)

Gene: KMT2D (lysine methyltransferase 2D; minus strand). Cytogenetic location: 12q13.12.
Variant type: single nucleotide variant.
Coding change: c.8985C>A on transcript NM_003482.4 (MANE Select); coding-DNA position 8985, C replaced by A.
Protein change: p.Asp2995Glu; replaces aspartic acid 2995 with glutamic acid.
Molecular consequence: missense variant.
Genome position (GRCh38, 1-based): chr12:49,038,371, G>T on the plus strand (C>A on the coding strand, the complement: KMT2D is on the minus strand). VCF-style: chr12-49038371-G-T. GRCh37 (hg19) VCF-style: chr12-49432154-G-T.
Other names: short protein forms D2995E.
Identifiers: ClinVar variation 2632710 (VCV002632710.1), dbSNP rs576463499, ClinGen allele CA384740092.

ClinVar aggregate classification (germline): Uncertain significance (1 of 4 stars; one submission).

Conditions:
KMT2D-related disorder. Also called: KMT2D-Related Disorders.

Submission:

PreventionGenetics, part of Exact Sciences
Classification: Uncertain significance for KMT2D-related condition. Last evaluated: 2023-06-05. Review status: criteria provided, single submitter. Criteria: ACMG Guidelines, 2015. Collection method: clinical testing. Allele origin: germline.
Comment: The KMT2D c.8985C>A variant is predicted to result in the amino acid substitution p.Asp2995Glu. To our knowledge, this variant has not been reported in the literature or in a large population database, indicating this variant is rare. At this time, the clinical significance of this variant is uncertain due to the absence of conclusive functional and genetic evidence.